The following is an entry in ClinVar:

ClinVar aggregate classification (germline): Uncertain significance. Review status: criteria provided, multiple submitters, no conflicts (2 of 4 stars). 2 submissions from 2 submitters: Uncertain significance (2). Last evaluated 2024-06-09.

Allele frequency attached by ClinVar (database versions not stated): ExAC 0.00001; gnomAD exomes 0.00003; gnomAD 0.00004; TOPMed 0.00006.
gnomAD v4.1: 44 of 1,613,794 alleles (0.0027%); highest among the groups gnomAD compares: African/African-American, 0.0053%; no homozygotes.

Submissions (2):

GeneDx
Classification: Uncertain significance. Last evaluated: 2024-06-09. Review status: criteria provided, single submitter. Criteria: GeneDx Variant Classification Process June 2021. Collection method: clinical testing. Allele origin: germline. Affected: yes.
Comment: Not observed at significant frequency in large population cohorts (gnomAD); In silico analysis supports that this missense variant has a deleterious effect on protein structure/function; Has not been previously published as pathogenic or benign to our knowledge

Labcorp Genetics (formerly Invitae), Labcorp
Classification: Uncertain significance. Last evaluated: 2022-07-31. Review status: criteria provided, single submitter. Criteria: Invitae Variant Classification Sherloc (09022015). Collection method: clinical testing. Allele origin: germline.
Comment: This sequence change replaces arginine, which is basic and polar, with glutamine, which is neutral and polar, at codon 557 of the ADAMTS17 protein (p.Arg557Gln). This variant is present in population databases (rs769659419, gnomAD 0.009%). This variant has not been reported in the literature in individuals affected with ADAMTS17-related conditions. Algorithms developed to predict the effect of missense changes on protein structure and function are either unavailable or do not agree on the potential impact of this missense change (SIFT: "Not Available"; PolyPhen-2: "Possibly Damaging"; Align-GVGD: "Not Available"). In summary, the available evidence is currently insufficient to determine the role of this variant in disease. Therefore, it has been classified as a Variant of Uncertain Significance.

NM_139057.4(ADAMTS17):c.1670G>A (p.Arg557Gln)

Genes: ADAMTS17 (ADAM metallopeptidase with thrombospondin type 1 motif 17; minus strand), LOC130058037 (ATAC-STARR-seq lymphoblastoid active region 10166; plus strand). Cytogenetic location: 15q26.3.
Variant type: single nucleotide variant.
Coding change: c.1670G>A on transcript NM_139057.4 (MANE Select); coding-DNA position 1670, G replaced by A.
Protein change: p.Arg557Gln; replaces arginine 557 with glutamine.
Molecular consequence: missense variant.
Genome position (GRCh38, 1-based): chr15:100,132,058, C>T on the plus strand (G>A on the coding strand, the complement: ADAMTS17 is on the minus strand). VCF-style: chr15-100132058-C-T. GRCh37 (hg19) VCF-style: chr15-100672263-C-T.
Other names: c.1670G>A (NM_139057.2); short protein forms R557Q.
Identifiers: ClinVar variation 2164933 (VCV002164933.2), dbSNP rs769659419, ClinGen allele CA7758130.
Genomic context (GRCh38, chr15:100,132,058, plus strand): 5'-GGGACTTACGGGGGGTTGTCACATTTCCTCTGCCTGAAGCGGGCTCCCGTCCCACATGTT[C>T]GGCTGCACATGCTCCAGGCGCCCCACGGGCTCCAGTCTCCGTCCACATGCTCCGGGATGG-3'
Protein context (NP_620688.2, residues 547-567): SPWGAWSMCS[Arg557Gln]TCGTGARFRQ